The following is an entry in ClinVar:

NM_000152.5(GAA):c.2331+6T>G

Gene: GAA (alpha glucosidase; plus strand). Cytogenetic location: 17q25.3.
Variant type: single nucleotide variant.
Coding change: c.2331+6T>G on transcript NM_000152.5 (MANE Select); 6 bases into the intron after coding-DNA position 2331, T replaced by G.
Molecular consequence: intron variant.
Genome position (GRCh38, 1-based): chr17:80,117,115, T>G. VCF-style: chr17-80117115-T-G. GRCh37 (hg19) VCF-style: chr17-78090914-T-G.
Other names: c.2331+6T>G (NM_001079803.3, NM_001079804.3).
Identifiers: ClinVar variation 2120607 (VCV002120607.4), dbSNP rs2510396931, ClinGen allele CA2580095273.

ClinVar aggregate classification (germline): Uncertain significance. Review status: criteria provided, multiple submitters, no conflicts (2 of 4 stars). 2 submissions from 2 submitters: Uncertain significance (2). Last evaluated 2026-07-01.

Conditions:
Glycogen storage disease, type II (IOPD). Also called: CARDIOMEGALIA GLYCOGENICA DIFFUSA; GLYCOGENOSIS, GENERALIZED, CARDIAC FORM; GSD II; Glycogen storage disease type 2; Acid maltase deficiency disease; Aglucosidase alfa. Identifiers: Orphanet 365, MedGen C0017921, MONDO:0009290, OMIM 232300.

Allele frequency attached by ClinVar (database versions not stated): gnomAD exomes below 0.00001.
gnomAD v4.1: 1 of 1,612,186 alleles (0.000062%); highest among the groups gnomAD compares: South Asian, 0.0011%; no homozygotes.

Submissions (2):

Genomenon, Inc
Classification: Uncertain significance for Glycogen storage disease, type II. Last evaluated: 2026-07-01. Review status: criteria provided, single submitter. Criteria: Genomenon Sequence Variant Interpretation Standards - Updated. Collection method: curation. Allele origin: germline. Affected: yes.
Comment: GAA c.2331+6T>G is an intronic variant located in the donor splice region of intron 16. This variant has been observed in at least one proband with a GAA-related disorder in the compound heterozygous and/or homozygous state (PMID:33301762). It is absent or not present at a significant frequency in gnomAD. In conclusion, we classify GAA c.2331+6T>G as a variant of uncertain significance.

Labcorp Genetics (formerly Invitae), Labcorp
Classification: Uncertain significance for Glycogen storage disease, type II. Last evaluated: 2022-04-01. Review status: criteria provided, single submitter. Criteria: Invitae Variant Classification Sherloc (09022015). Collection method: clinical testing. Allele origin: germline.
Comment: This variant has not been reported in the literature in individuals affected with GAA-related conditions. In summary, the available evidence is currently insufficient to determine the role of this variant in disease. Therefore, it has been classified as a Variant of Uncertain Significance. Variants that disrupt the consensus splice site are a relatively common cause of aberrant splicing (PMID: 17576681, 9536098). Algorithms developed to predict the effect of sequence changes on RNA splicing suggest that this variant may create or strengthen a splice site. This variant is not present in population databases (gnomAD no frequency). This sequence change falls in intron 16 of the GAA gene. It does not directly change the encoded amino acid sequence of the GAA protein. It affects a nucleotide within the consensus splice site.

Literature cited by the submitters: PubMed 33301762 (cited by Genomenon, Inc); PubMed 17576681 (cited by Labcorp Genetics (formerly Invitae), Labcorp); PubMed 9536098 (cited by Labcorp Genetics (formerly Invitae), Labcorp).